The following is an entry in ClinVar:

NM_004727.3(SLC24A1):c.2177C>T (p.Thr726Ile)

Gene: SLC24A1 (solute carrier family 24 member 1; plus strand). Cytogenetic location: 15q22.31.
Variant type: single nucleotide variant.
Coding change: c.2177C>T on transcript NM_004727.3 (MANE Select); coding-DNA position 2177, C replaced by T.
Protein change: p.Thr726Ile; replaces threonine 726 with isoleucine.
Molecular consequence: missense variant.
Genome position (GRCh38, 1-based): chr15:65,645,648, C>T. VCF-style: chr15-65645648-C-T. GRCh37 (hg19) VCF-style: chr15-65937986-C-T.
Other names: c.158C>T, p.Thr53Ile (NM_001254740.2); c.2177C>T, p.Thr726Ile (NM_001301031.1); c.2123C>T, p.Thr708Ile (NM_001301032.1, NM_001301033.2); short protein forms T726I, T53I, T708I.
Identifiers: ClinVar variation 937495 (VCV000937495.7), dbSNP rs1013714503, ClinGen allele CA271567981.

ClinVar aggregate classification (germline): Uncertain significance (1 of 4 stars; one submission).

Allele frequency attached by ClinVar (database versions not stated): gnomAD exomes below 0.00001 and 0.00001.
gnomAD v4.1: 1 of 1,579,858 alleles (0.000063%); highest among the groups gnomAD compares: East Asian, 0.0023%; no homozygotes.

Submission:

Labcorp Genetics (formerly Invitae), Labcorp
Classification: Uncertain significance. Last evaluated: 2019-10-03. Review status: criteria provided, single submitter. Criteria: Invitae Variant Classification Sherloc (09022015). Collection method: clinical testing. Allele origin: germline.
Comment: Algorithms developed to predict the effect of missense changes on protein structure and function are either unavailable or do not agree on the potential impact of this missense change (SIFT: "Deleterious"; PolyPhen-2: "Benign"; Align-GVGD: "Class C0"). In summary, the available evidence is currently insufficient to determine the role of this variant in disease. Therefore, it has been classified as a Variant of Uncertain Significance. This variant has not been reported in the literature in individuals with SLC24A1-related conditions. This variant is not present in population databases (ExAC no frequency). This sequence change replaces threonine with isoleucine at codon 726 of the SLC24A1 protein (p.Thr726Ile). The threonine residue is weakly conserved and there is a moderate physicochemical difference between threonine and isoleucine.